The following is an entry in ClinVar:

ClinVar aggregate classification (germline): Likely benign. Review status: criteria provided, multiple submitters, no conflicts (2 of 4 stars). 2 submissions from 2 submitters: Likely benign (2). Last evaluated 2025-02-22.

Conditions:
TTC21B-related disorder. Also called: TTC21B-related condition; TTC21B-related disorders.
Jeune thoracic dystrophy. Also called: Short-rib thoracic dysplasia; Jeune syndrome; Infantile thoracic dystrophy; Thoracic pelvic phalangeal dystrophy; Jeune's syndrome; Chondroectodermal dysplasia-like syndrome. Identifiers: Orphanet 474, MedGen C0265275, MONDO:0018770.
Nephronophthisis. Also called: Juvenile Nephronophthisis. Identifiers: Orphanet 655, MedGen C0687120, MONDO:0019005, HP:0000090.

gnomAD v4.1: 1 of 1,609,598 alleles (0.000062%); highest among the groups gnomAD compares: East Asian, 0.0022%; no homozygotes.

Submissions (2):

PreventionGenetics, part of Exact Sciences
Classification: Likely benign for TTC21B-related condition. Last evaluated: 2025-02-22. Review status: criteria provided, single submitter. Criteria: ACMG Guidelines, 2015. Collection method: clinical testing. Allele origin: germline.
Comment: This variant is classified as likely benign based on ACMG/AMP sequence variant interpretation guidelines (Richards et al. 2015 PMID: 25741868, with internal and published modifications).

Labcorp Genetics (formerly Invitae), Labcorp
Classification: Likely benign for Jeune thoracic dystrophy; Nephronophthisis. Last evaluated: 2024-12-28. Review status: criteria provided, single submitter. Criteria: Invitae Variant Classification Sherloc (09022015). Collection method: clinical testing. Allele origin: germline.

NM_024753.5(TTC21B):c.1095C>T (p.Ile365=)

Gene: TTC21B (tetratricopeptide repeat domain 21B; minus strand). Cytogenetic location: 2q24.3.
Variant type: single nucleotide variant.
Coding change: c.1095C>T on transcript NM_024753.5 (MANE Select); coding-DNA position 1095, C replaced by T.
Protein change: p.Ile365=; no amino-acid change (isoleucine 365 retained).
Molecular consequence: synonymous variant.
Genome position (GRCh38, 1-based): chr2:165,929,740, G>A on the plus strand (C>T on the coding strand, the complement: TTC21B is on the minus strand). VCF-style: chr2-165929740-G-A. GRCh37 (hg19) VCF-style: chr2-166786250-G-A.
Other names: c.1095C>T (NM_024753.4).
Identifiers: ClinVar variation 3750758 (VCV003750758.3).